The following is an entry in ClinVar:

ClinVar aggregate classification (germline): Uncertain significance. Review status: criteria provided, multiple submitters, no conflicts (2 of 4 stars). 2 submissions from 2 submitters: Uncertain significance (2). Last evaluated 2025-03-05.

Conditions:
Inborn genetic diseases. Identifiers: MedGen C0950123, MeSH D030342.
Hyperphosphatasia with impaired intellectual development syndrome 2. Also called: Hyperphosphatasia with intellectual disability syndrome 2; GLYCOSYLPHOSPHATIDYLINOSITOL BIOSYNTHESIS DEFECT 6. Identifiers: Orphanet 247262, MedGen C3553637, MONDO:0013882, OMIM 614749.

Allele frequency attached by ClinVar (database versions not stated): gnomAD exomes 0.00002; TOPMed 0.00002; ExAC 0.00001.

Submissions (2):

Labcorp Genetics (formerly Invitae), Labcorp
Classification: Uncertain significance for Hyperphosphatasia with impaired intellectual development syndrome 2. Last evaluated: 2025-03-05. Review status: criteria provided, single submitter. Criteria: Invitae Variant Classification Sherloc (09022015). Collection method: clinical testing. Allele origin: germline.
Comment: This sequence change replaces valine, which is neutral and non-polar, with alanine, which is neutral and non-polar, at codon 487 of the PIGO protein (p.Val487Ala). This variant is present in population databases (rs750242299, gnomAD 0.01%). This variant has not been reported in the literature in individuals affected with PIGO-related conditions. ClinVar contains an entry for this variant (Variation ID: 663807). Invitae Evidence Modeling of protein sequence and biophysical properties (such as structural, functional, and spatial information, amino acid conservation, physicochemical variation, residue mobility, and thermodynamic stability) indicates that this missense variant is not expected to disrupt PIGO protein function with a negative predictive value of 95%. In summary, the available evidence is currently insufficient to determine the role of this variant in disease. Therefore, it has been classified as a Variant of Uncertain Significance.

Ambry Genetics
Classification: Uncertain significance for Inborn genetic diseases. Last evaluated: 2023-03-13. Review status: criteria provided, single submitter. Criteria: Ambry Variant Classification Scheme 2023. Collection method: clinical testing. Allele origin: germline.

NM_032634.4(PIGO):c.1460T>C (p.Val487Ala)

Gene: PIGO (phosphatidylinositol glycan anchor biosynthesis class O; minus strand). Cytogenetic location: 9p13.3.
Variant type: single nucleotide variant.
Coding change: c.1460T>C on transcript NM_032634.4 (MANE Select); coding-DNA position 1460, T replaced by C.
Protein change: p.Val487Ala; replaces valine 487 with alanine.
Molecular consequence: missense variant. On other transcripts: intron variant (2).
Genome position (GRCh38, 1-based): chr9:35,092,427, A>G on the plus strand (T>C on the coding strand, the complement: PIGO is on the minus strand). VCF-style: chr9-35092427-A-G. GRCh37 (hg19) VCF-style: chr9-35092424-A-G.
Other names: c.1344+116T>C (NM_152850.4, NM_001201484.2); short protein forms V487A.
Identifiers: ClinVar variation 663807 (VCV000663807.9), dbSNP rs750242299, ClinGen allele CA5040627.